The following is an entry in ClinVar:

NM_006218.4(PIK3CA):c.2381T>A (p.Phe794Tyr)

Gene: PIK3CA (phosphatidylinositol-4,5-bisphosphate 3-kinase catalytic subunit alpha; plus strand). Cytogenetic location: 3q26.32.
Variant type: single nucleotide variant.
Coding change: c.2381T>A on transcript NM_006218.4 (MANE Select); coding-DNA position 2381, T replaced by A.
Protein change: p.Phe794Tyr; replaces phenylalanine 794 with tyrosine.
Molecular consequence: missense variant.
Genome position (GRCh38, 1-based): chr3:179,224,786, T>A. VCF-style: chr3-179224786-T-A. GRCh37 (hg19) VCF-style: chr3-178942574-T-A.
Other names: c.2381T>A (NM_006218.2); short protein forms F794Y.
Identifiers: ClinVar variation 1059107 (VCV001059107.10), dbSNP rs1725045573, ClinGen allele CA355272391.
Genomic context (GRCh38, chr3:179,224,786, plus strand): 5'-CTGCAAAAAGGCCACTGTGGTTGAATTGGGAGAACCCAGACATCATGTCAGAGTTACTGT[T>A]TCAGAACAATGAGATCATCTTTAAAAATGGGGATGGTAAGGAAGAGTATTAATGAGCTTA-3'
Protein context (NP_006209.2, residues 784-804): ENPDIMSELL[Phe794Tyr]QNNEIIFKNG

ClinVar aggregate classification (germline): Uncertain significance. Review status: criteria provided, multiple submitters, no conflicts (2 of 4 stars). 2 submissions from 2 submitters: Uncertain significance (2). Last evaluated 2025-08-24.

Conditions:
Inborn genetic diseases. Identifiers: MedGen C0950123, MeSH D030342.
Cowden syndrome (CS). Also called: Cowden's disease; Cowden's syndrome; Cowden disease. Identifiers: Orphanet 201, MedGen C0018553, MONDO:0016063. Disease mechanism: gain of function.

Allele frequency attached by ClinVar (database versions not stated): TOPMed below 0.00001.

Submissions (2):

Ambry Genetics
Classification: Uncertain significance for Inborn genetic diseases. Last evaluated: 2025-08-24. Review status: criteria provided, single submitter. Criteria: Ambry Variant Classification Scheme 2023. Collection method: clinical testing. Allele origin: germline.

Labcorp Genetics (formerly Invitae), Labcorp
Classification: Uncertain significance for Cowden syndrome. Last evaluated: 2020-07-31. Review status: criteria provided, single submitter. Criteria: Invitae Variant Classification Sherloc (09022015). Collection method: clinical testing. Allele origin: germline.
Comment: This variant is not present in population databases (ExAC no frequency). This variant has not been reported in the literature in individuals with PIK3CA-related conditions. Algorithms developed to predict the effect of missense changes on protein structure and function are either unavailable or do not agree on the potential impact of this missense change (SIFT: "Tolerated"; PolyPhen-2: "Possibly Damaging"; Align-GVGD: "Class C0"). In summary, the available evidence is currently insufficient to determine the role of this variant in disease. Therefore, it has been classified as a Variant of Uncertain Significance. This sequence change replaces phenylalanine with tyrosine at codon 794 of the PIK3CA protein (p.Phe794Tyr). The phenylalanine residue is highly conserved and there is a small physicochemical difference between phenylalanine and tyrosine.